The following is an entry in ClinVar:

NM_001113491.2(SEPTIN9):c.1042+10C>T

Gene: SEPTIN9 (septin 9; plus strand). Cytogenetic location: 17q25.3.
Variant type: single nucleotide variant.
Coding change: c.1042+10C>T on transcript NM_001113491.2 (MANE Select); 10 bases into the intron after coding-DNA position 1042, C replaced by T.
Molecular consequence: intron variant.
Genome position (GRCh38, 1-based): chr17:77,487,562, C>T. VCF-style: chr17-77487562-C-T. GRCh37 (hg19) VCF-style: chr17-75483644-C-T.
Other names: p.?; c.985+10C>T (NM_001293695.2); c.550+10C>T (NM_001113492.2, NM_001113494.1); c.988+10C>T (NM_006640.5); c.1021+10C>T (NM_001113493.2); c.370+10C>T (NM_001293696.2); c.289+10C>T (NM_001113496.2, NM_001293697.2, NM_001293698.2 and 1 more transcripts).
Identifiers: ClinVar variation 325555 (VCV000325555.17), dbSNP rs114550498, ClinGen allele CA8793638.

ClinVar aggregate classification (germline): Benign. Review status: criteria provided, multiple submitters, no conflicts (2 of 4 stars). 5 submissions from 5 submitters: Benign (5). Last evaluated 2026-02-01.

Conditions:
Amyotrophic neuralgia (HNA). Also called: AMYOTROPHY, HEREDITARY NEURALGIC; Hereditary Brachial Plexus Neuropathy; Neuritis with Brachial Predilection; AMYOTROPHY, HEREDITARY NEURALGIC, WITH PREDILECTION FOR BRACHIAL PLEXUS. Identifiers: Orphanet 2901, MedGen C1834304, MONDO:0008076, OMIM 162100.

Allele frequency attached by ClinVar (database versions not stated): gnomAD exomes 0.00170 and 0.00579; ExAC 0.00698; 1000 Genomes Project 0.02196; gnomAD 0.02345 and 0.02534; 1000 Genomes Project 30x 0.02405; ESP Exome Variant Server 0.02544; TOPMed 0.02612.
gnomAD v4.1: 6,136 of 1,610,204 alleles (0.38%); highest among the groups gnomAD compares: African/African-American, 7.4%; 265 homozygotes.

Submissions (5):

Labcorp Genetics (formerly Invitae), Labcorp
Classification: Benign. Last evaluated: 2026-02-01. Review status: criteria provided, single submitter. Criteria: Invitae Variant Classification Sherloc (09022015). Collection method: clinical testing. Allele origin: germline.

Mayo Clinic Laboratories, Mayo Clinic
Classification: Benign. Last evaluated: 2024-09-04. Review status: criteria provided, single submitter. Criteria: ACMG Guidelines, 2015. Collection method: clinical testing. Allele origin: germline. Observed: 3 variant alleles.

Genome-Nilou Lab
Classification: Benign for Amyotrophic neuralgia. Last evaluated: 2021-12-05. Review status: criteria provided, single submitter. Criteria: ACMG Guidelines, 2015. Collection method: clinical testing. Allele origin: germline. Affected: no.

GeneDx
Classification: Benign. Last evaluated: 2019-05-24. Review status: criteria provided, single submitter. Criteria: GeneDx Variant Classification Process June 2021. Collection method: clinical testing. Allele origin: germline. Affected: yes.

Illumina Laboratory Services, Illumina
Classification: Benign for Amyotrophy, hereditary neuralgic. Last evaluated: 2018-01-12. Review status: criteria provided, single submitter. Criteria: ICSL Variant Classification Criteria 13 December 2019. Collection method: clinical testing. Allele origin: germline.
Comment: This variant was observed in the ICSL laboratory as part of a predisposition screen in an ostensibly healthy population. It had not been previously curated by ICSL or reported in the Human Gene Mutation Database (HGMD: prior to June 1st, 2018), and was therefore a candidate for classification through an automated scoring system. Utilizing variant allele frequency, disease prevalence and penetrance estimates, and inheritance mode, an automated score was calculated to assess if this variant is too frequent to cause the disease. Based on the score and internal cut-off values, a variant classified as benign is not then subjected to further curation. The score for this variant resulted in a classification of benign for this disease.